The following is an entry in ClinVar:

ClinVar aggregate classification (germline): Likely benign. Review status: criteria provided, single submitter (1 of 4 stars). 2 submissions from 2 submitters: Likely benign (1). 1 of the submissions does not count toward it. Last evaluated 2023-01-18.

Conditions:
DST-related disorder. Also called: DST-related condition; DST-related disorders.
Hereditary sensory and autonomic neuropathy type 6. Also called: HSAN VI; Neuropathy, hereditary sensory and autonomic, type VI. Identifiers: Orphanet 314381, MedGen C3539003, MONDO:0013839, OMIM 614653.
Epidermolysis bullosa simplex 3, localized or generalized intermediate, with BP230 deficiency (EBS3). Also called: Epidermolysis bullosa simplex, autosomal recessive 2; Epidermolysis bullosa simplex due to BP230 deficiency. Identifiers: Orphanet 412181, MedGen C3809470, MONDO:0014180, OMIM 615425.

Allele frequency attached by ClinVar (database versions not stated): TOPMed below 0.00001; gnomAD 0.00001; gnomAD exomes 0.00001 and 0.00002; ExAC 0.00003; 1000 Genomes Project 30x 0.00016; 1000 Genomes Project 0.00020.
gnomAD v4.1: 12 of 1,613,962 alleles (0.00074%); highest among the groups gnomAD compares: East Asian, 0.018%; 1 homozygote.

Submissions (2):

Labcorp Genetics (formerly Invitae), Labcorp
Classification: Likely benign for Epidermolysis bullosa simplex 3, localized or generalized intermediate, with BP230 deficiency; Hereditary sensory and autonomic neuropathy type 6. Last evaluated: 2023-01-18. Review status: criteria provided, single submitter. Criteria: Invitae Variant Classification Sherloc (09022015). Collection method: clinical testing. Allele origin: germline.

PreventionGenetics, part of Exact Sciences
Classification: Likely benign for DST-related condition. Last evaluated: 2019-06-20. Review status: no assertion criteria provided. Collection method: clinical testing. Allele origin: germline. Not counted in ClinVar's aggregate classification.
Comment: This variant is classified as likely benign based on ACMG/AMP sequence variant interpretation guidelines (Richards et al. 2015 PMID: 25741868, with internal and published modifications).

NM_001374736.1(DST):c.12132T>G (p.Thr4044=)

Gene: DST (dystonin; minus strand). Cytogenetic location: 6p12.1.
Variant type: single nucleotide variant.
Coding change: c.12132T>G on transcript NM_001374736.1 (MANE Select); coding-DNA position 12132, T replaced by G.
Protein change: p.Thr4044=; no amino-acid change (threonine 4044 retained).
Molecular consequence: synonymous variant.
Genome position (GRCh38, 1-based): chr6:56,597,803, A>C on the plus strand (T>G on the coding strand, the complement: DST is on the minus strand). VCF-style: chr6-56597803-A-C. GRCh37 (hg19) VCF-style: chr6-56462601-A-C.
Other names: c.5775T>G, p.Thr1925= (NM_001144769.5); c.5361T>G, p.Thr1787= (NM_001144770.2); c.12132T>G, p.Thr4044= (NM_001374722.1); c.11499T>G, p.Thr3833= (NM_001374729.1); c.5241T>G, p.Thr1747= (NM_001374730.1, NM_001386100.1, NM_183380.4); c.12159T>G, p.Thr4053= (NM_001374734.1); c.4263T>G, p.Thr1421= (NM_015548.5); c.5775T>G (NM_001144769.2).
Identifiers: ClinVar variation 1447562 (VCV001447562.10), dbSNP rs563848118, ClinGen allele CA3868512.